The following is an entry in ClinVar:

ClinVar aggregate classification (germline): Uncertain significance (1 of 4 stars; one submission).

Conditions:
Type 2 diabetes mellitus. Also called: Type II diabetes mellitus. Identifiers: MedGen C0011860, MeSH D003924, MONDO:0005148, OMIM 125853, HP:0005978.
Hypoinsulinemic hypoglycemia and body hemihypertrophy. Also called: Hypoinsulinemic hypoglycemia and hemihypertrophy. Identifiers: Orphanet 293964, MedGen C3278384, MONDO:0009416, OMIM 240900.

Allele frequency attached by ClinVar (database versions not stated): ExAC 0.00002; gnomAD exomes 0.00002; gnomAD 0.00003; TOPMed 0.00004.
gnomAD v4.1: 16 of 1,614,106 alleles (0.00099%); highest among the groups gnomAD compares: Admixed American, 0.01%; no homozygotes.

Submission:

Labcorp Genetics (formerly Invitae), Labcorp
Classification: Uncertain significance for Hypoinsulinemic hypoglycemia and body hemihypertrophy; Type 2 diabetes mellitus. Last evaluated: 2022-09-12. Review status: criteria provided, single submitter. Criteria: Invitae Variant Classification Sherloc (09022015). Collection method: clinical testing. Allele origin: germline.
Comment: Algorithms developed to predict the effect of missense changes on protein structure and function output the following: SIFT: "Tolerated"; PolyPhen-2: "Benign"; Align-GVGD: "Class C25". The cysteine amino acid residue is found in multiple mammalian species, which suggests that this missense change does not adversely affect protein function. ClinVar contains an entry for this variant (Variation ID: 1482160). This variant has not been reported in the literature in individuals affected with AKT2-related conditions. This variant is present in population databases (rs757233968, gnomAD 0.009%). This sequence change replaces arginine, which is basic and polar, with cysteine, which is neutral and slightly polar, at codon 176 of the AKT2 protein (p.Arg176Cys). In summary, the available evidence is currently insufficient to determine the role of this variant in disease. Therefore, it has been classified as a Variant of Uncertain Significance.

NM_001626.6(AKT2):c.526C>T (p.Arg176Cys)

Gene: AKT2 (AKT serine/threonine kinase 2; minus strand). Cytogenetic location: 19q13.2.
Variant type: single nucleotide variant.
Coding change: c.526C>T on transcript NM_001626.6 (MANE Select); coding-DNA position 526, C replaced by T.
Protein change: p.Arg176Cys; replaces arginine 176 with cysteine.
Molecular consequence: missense variant.
Genome position (GRCh38, 1-based): chr19:40,241,985, G>A on the plus strand (C>T on the coding strand, the complement: AKT2 is on the minus strand). VCF-style: chr19-40241985-G-A. GRCh37 (hg19) VCF-style: chr19-40747892-G-A.
Other names: c.340C>T, p.Arg114Cys (NM_001243027.3, NM_001243028.3); c.526C>T, p.Arg176Cys (NM_001330511.1); short protein forms R114C, R176C.
Identifiers: ClinVar variation 1482160 (VCV001482160.6), dbSNP rs757233968, ClinGen allele CA9441859.